The following is an entry in ClinVar:

Conditions:
Breast-ovarian cancer, familial, susceptibility to, 1 (BROVCA1). Also called: BRCA1 Hereditary Breast and Ovarian Cancer; OVARIAN CANCER, SUSCEPTIBILITY TO. Identifiers: Orphanet 145, MedGen C2676676, MONDO:0011450, OMIM 604370. Disease mechanism: loss of function.

Submission:

Brotman Baty Institute, University of Washington
No classification provided (evidence only). Condition: Breast-ovarian cancer, familial 1. Review status: no classification provided. Collection method: in vitro. Allele origin: not applicable. Functional consequence: functionally_normal.
ClinVar note: "not provided" was previously submitted as the classification for the variant. However, the classification appeared to be based only on an observation of functional data so it was converted to no classification on 2025-07-30.

NM_007294.4(BRCA1):c.5375T>G (p.Val1792Gly)

Gene: BRCA1 (BRCA1 DNA repair associated; minus strand). Cytogenetic location: 17q21.31.
Variant type: single nucleotide variant.
Coding change: c.5375T>G on transcript NM_007294.4 (MANE Select); coding-DNA position 5375, T replaced by G.
Protein change: p.Val1792Gly; replaces valine 1792 with glycine.
Molecular consequence: missense variant. On other transcripts: non-coding transcript variant (1), intron variant (1).
Genome position (GRCh38, 1-based): chr17:43,049,152, A>C on the plus strand (T>G on the coding strand, the complement: BRCA1 is on the minus strand). VCF-style: chr17-43049152-A-C. GRCh37 (hg19) VCF-style: chr17-41201169-A-C.
Other names: c.5162T>G, p.Val1721Gly (NM_001407571.1, NM_001407894.1, NM_001407895.1 and 12 more transcripts); c.5441T>G, p.Val1814Gly (NM_001407581.1, NM_001407582.1); c.5438T>G, p.Val1813Gly (NM_001407583.1, NM_001407585.1, NM_001407587.1 and 1 more transcripts); c.5435T>G, p.Val1812Gly (NM_001407590.1, NM_001407591.1); c.5375T>G, p.Val1792Gly (NM_001407593.1, NM_001407594.1, NM_001407596.1 and 5 more transcripts); c.5372T>G, p.Val1791Gly (NM_001407610.1, NM_001407611.1, NM_001407612.1 and 14 more transcripts); c.5369T>G, p.Val1790Gly (NM_001407629.1, NM_001407630.1, NM_001407631.1 and 13 more transcripts); c.5315T>G, p.Val1772Gly (NM_001407649.1); and 73 more; short protein forms V688G, V1792G, V1813G, V1745G, V1704G, V1720G, V1725G, V1744G.
Identifiers: ClinVar variation 868391 (VCV000868391.3), dbSNP rs2051082443, ClinGen allele CA10590720.